The following is an entry in ClinVar:

NM_020458.4(TTC7A):c.1095G>T (p.Val365=)

Gene: TTC7A (tetratricopeptide repeat domain 7A; plus strand). Cytogenetic location: 2p21.
Variant type: single nucleotide variant.
Coding change: c.1095G>T on transcript NM_020458.4 (MANE Select); coding-DNA position 1095, G replaced by T.
Protein change: p.Val365=; no amino-acid change (valine 365 retained).
Molecular consequence: synonymous variant.
Genome position (GRCh38, 1-based): chr2:47,005,951, G>T. VCF-style: chr2-47005951-G-T. GRCh37 (hg19) VCF-style: chr2-47233090-G-T.
Other names: c.1095G>T, p.Val365= (LRG_1323t1, NM_001288951.2); c.993G>T, p.Val331= (NM_001288953.2); c.33G>T, p.Val11= (NM_001288955.2).
Identifiers: ClinVar variation 458793 (VCV000458793.44), dbSNP rs113844968, ClinGen allele CA1647500.
Genomic context (GRCh38, chr2:47,005,951, plus strand): 5'-CACTCTTTCCCAAACAATGTCCCACCCACAGGCAACTCGAGATGTGGTGCTGAGCCGGGT[G>T]CCGGAGCAGGAGGAGGACCGGACAGTGAGCTTGCAGAATGCCGCAGCCATCTATGACCTC-3'
Protein context (NP_065191.2, residues 355-375): MATRDVVLSR[Val365=]PEQEEDRTVS

ClinVar aggregate classification (germline): Benign/Likely benign. Review status: criteria provided, multiple submitters, no conflicts (2 of 4 stars). 7 submissions from 7 submitters: Benign (2); Likely benign (2). 3 of the submissions do not count toward it. Last evaluated 2026-09-01.

Conditions:
TTC7A-related disorder. Also called: TTC7A-related condition.
Multiple gastrointestinal atresias. Also called: FAMILIAL INTESTINAL POLYATRESIA SYNDROME; Multiple intestinal atresia. Identifiers: Orphanet 2300, MedGen C0220744, MONDO:0009465.

Allele frequency attached by ClinVar (database versions not stated): gnomAD 0.00280 and 0.00279; ESP Exome Variant Server 0.00284; TOPMed 0.00355; 1000 Genomes Project 30x 0.00234; ExAC 0.00245; 1000 Genomes Project 0.00260; gnomAD exomes 0.00266.
gnomAD v4.1: 5,690 of 1,614,138 alleles (0.35%); highest among the groups gnomAD compares: Admixed American, 0.58%; 21 homozygotes.

Submissions (7):

CeGaT Center for Human Genetics Tuebingen
Classification: Likely benign. Last evaluated: 2026-09-01. Review status: criteria provided, single submitter. Criteria: CeGaT Center For Human Genetics Tuebingen Variant Classification Criteria Version 2. Collection method: clinical testing. Allele origin: germline. Affected: yes. Observed: 7 variant alleles.
Comment: TTC7A: BP4, BP7, BS2

Labcorp Genetics (formerly Invitae), Labcorp
Classification: Benign for Multiple gastrointestinal atresias. Last evaluated: 2026-02-04. Review status: criteria provided, single submitter. Criteria: Invitae Variant Classification Sherloc (09022015). Collection method: clinical testing. Allele origin: germline.

Blueprint Genetics
Classification: Likely benign. Last evaluated: 2024-11-15. Review status: criteria provided, single submitter. Criteria: ACMG Guidelines, 2015. Collection method: clinical testing. Allele origin: germline.

Breakthrough Genomics
Classification: Benign. Review status: criteria provided, single submitter. Criteria: ACMG Guidelines, 2015. Collection method: not provided. Allele origin: germline. Inheritance: Autosomal recessive inheritance. Affected: yes.

PreventionGenetics, part of Exact Sciences
Classification: Likely benign for TTC7A-related condition. Last evaluated: 2019-06-27. Review status: no assertion criteria provided. Collection method: clinical testing. Allele origin: germline. Not counted in ClinVar's aggregate classification.
Comment: This variant is classified as likely benign based on ACMG/AMP sequence variant interpretation guidelines (Richards et al. 2015 PMID: 25741868, with internal and published modifications).

Clinical Genetics DNA and cytogenetics Diagnostics Lab, Erasmus MC, Erasmus Medical Center
Classification: Likely benign. Review status: no assertion criteria provided. Collection method: clinical testing. Allele origin: germline. Affected: yes. Study: VKGL Data-share Consensus. Not counted in ClinVar's aggregate classification.

Genome Diagnostics Laboratory, University Medical Center Utrecht
Classification: Likely benign. Review status: no assertion criteria provided. Collection method: clinical testing. Allele origin: germline. Affected: yes. Study: VKGL Data-share Consensus. Not counted in ClinVar's aggregate classification.